The following is an entry in ClinVar:

NM_004655.4(AXIN2):c.1831G>C (p.Glu611Gln)

Gene: AXIN2 (axin 2; minus strand). Cytogenetic location: 17q24.1.
Variant type: single nucleotide variant.
Coding change: c.1831G>C on transcript NM_004655.4 (MANE Select); coding-DNA position 1831, G replaced by C.
Protein change: p.Glu611Gln; replaces glutamic acid 611 with glutamine.
Molecular consequence: missense variant. On other transcripts: intron variant (1).
Genome position (GRCh38, 1-based): chr17:65,536,945, C>G on the plus strand (G>C on the coding strand, the complement: AXIN2 is on the minus strand). VCF-style: chr17-65536945-C-G. GRCh37 (hg19) VCF-style: chr17-63533063-C-G.
Other names: c.1831G>C (NM_004655.3); c.1712+379G>C (NM_001363813.1); short protein forms E611Q.
Identifiers: ClinVar variation 1417361 (VCV001417361.9), dbSNP rs2043933208, ClinGen allele CA400676544.
Genomic context (GRCh38, chr17:65,536,945, plus strand): 5'-TGCTCTGCCGCTCACTCTCCAGCATCCACTGCCAGACATCCTGCGACCTGTCTCCTTCCT[C>G]CCGGGGAAGCTGCAGGGCCCCAGCTCCGCCGGGGGCCCCTCCTTCCCTGGCGGGCAGGGC-3'
Protein context (NP_004646.3, residues 601-621): GGAGALQLPR[Glu611Gln]EGDRSQDVWQ

ClinVar aggregate classification (germline): Uncertain significance. Review status: criteria provided, multiple submitters, no conflicts (2 of 4 stars). 2 submissions from 2 submitters: Uncertain significance (2). Last evaluated 2026-07-06.

Conditions:
Hereditary cancer-predisposing syndrome. Also called: Hereditary Cancer Syndrome; Neoplastic Syndromes, Hereditary; Hereditary neoplastic syndrome; Tumor predisposition. Identifiers: Orphanet 140162, MedGen C0027672, MeSH D009386, MONDO:0015356.
Oligodontia-cancer predisposition syndrome. Also called: TOOTH AGENESIS-COLORECTAL CANCER SYNDROME. Identifiers: Orphanet 300576, MedGen C1837750, MONDO:0012075, OMIM 608615. Disease mechanism: loss of function.

Submissions (2):

Ambry Genetics
Classification: Uncertain significance for Hereditary cancer-predisposing syndrome. Last evaluated: 2026-07-06. Review status: criteria provided, single submitter. Criteria: Ambry Variant Classification Scheme 2023. Collection method: clinical testing. Allele origin: germline.
Comment: The p.E611Q variant (also known as c.1831G>C), located in coding exon 6 of the AXIN2 gene, results from a G to C substitution at nucleotide position 1831. The glutamic acid at codon 611 is replaced by glutamine, an amino acid with highly similar properties. This amino acid position is conserved. In addition, this alteration is predicted to be tolerated by in silico analysis. Based on the available evidence, the clinical significance of this variant remains unclear.

Labcorp Genetics (formerly Invitae), Labcorp
Classification: Uncertain significance for Oligodontia-cancer predisposition syndrome. Last evaluated: 2021-03-27. Review status: criteria provided, single submitter. Criteria: Invitae Variant Classification Sherloc (09022015). Collection method: clinical testing. Allele origin: germline.
Comment: Algorithms developed to predict the effect of missense changes on protein structure and function (SIFT, PolyPhen-2, Align-GVGD) all suggest that this variant is likely to be tolerated, but these predictions have not been confirmed by published functional studies and their clinical significance is uncertain. In summary, the available evidence is currently insufficient to determine the role of this variant in disease. Therefore, it has been classified as a Variant of Uncertain Significance. This variant has not been reported in the literature in individuals with AXIN2-related conditions. This sequence change replaces glutamic acid with glutamine at codon 611 of the AXIN2 protein (p.Glu611Gln). The glutamic acid residue is weakly conserved and there is a small physicochemical difference between glutamic acid and glutamine. This variant is not present in population databases (ExAC no frequency).